The following is an entry in ClinVar:

ClinVar aggregate classification (germline): Uncertain significance (1 of 4 stars; one submission).

Submission:

GeneDx
Classification: Uncertain significance. Last evaluated: 2024-07-03. Review status: criteria provided, single submitter. Criteria: GeneDx Variant Classification Process June 2021. Collection method: clinical testing. Allele origin: germline. Affected: yes.
Comment: Has not been previously published as pathogenic or benign to our knowledge; Not observed at significant frequency in large population cohorts (gnomAD); In silico analysis supports that this missense variant has a deleterious effect on protein structure/function

NM_000719.7(CACNA1C):c.2575C>T (p.Pro859Ser)

Gene: CACNA1C (calcium voltage-gated channel subunit alpha1 C; plus strand). Cytogenetic location: 12p13.33.
Variant type: single nucleotide variant.
Coding change: c.2575C>T on transcript NM_000719.7 (MANE Select); coding-DNA position 2575, C replaced by T.
Protein change: p.Pro859Ser; replaces proline 859 with serine.
Molecular consequence: missense variant.
Genome position (GRCh38, 1-based): chr12:2,593,257, C>T. VCF-style: chr12-2593257-C-T. GRCh37 (hg19) VCF-style: chr12-2702423-C-T.
Other names: c.2575C>T, p.Pro859Ser (NM_001129827.2, NM_001129829.2, NM_001129830.3 and 18 more transcripts); c.2566C>T, p.Pro856Ser (NM_001129844.2); short protein forms P856S, P859S.
Identifiers: ClinVar variation 1204168 (VCV001204168.4), dbSNP rs2153339297, ClinGen allele CA383372157.